The following is an entry in ClinVar:

NM_033116.6(NEK9):c.2027A>G (p.Asn676Ser)

Gene: NEK9 (NIMA related kinase 9; minus strand). Cytogenetic location: 14q24.3.
Variant type: single nucleotide variant.
Coding change: c.2027A>G on transcript NM_033116.6 (MANE Select); coding-DNA position 2027, A replaced by G.
Protein change: p.Asn676Ser; replaces asparagine 676 with serine.
Molecular consequence: missense variant.
Genome position (GRCh38, 1-based): chr14:75,097,246, T>C on the plus strand (A>G on the coding strand, the complement: NEK9 is on the minus strand). VCF-style: chr14-75097246-T-C. GRCh37 (hg19) VCF-style: chr14-75563949-T-C.
Other names: c.2063A>G, p.Asn688Ser (NM_001329237.2); c.1673A>G, p.Asn558Ser (NM_001329238.2); short protein forms N676S, N688S, N558S.
Identifiers: ClinVar variation 5005345 (VCV005005345.2).
Genomic context (GRCh38, chr14:75,097,246, plus strand): 5'-CAGATATCAGAGCCATGTGGTCTCTCTGTGGGGGTCATTGCCAGGCGGCCATTACCACCA[T>C]TGCCCCAGGCAAAAATGTGATTATCTAGGAAAAAAGTTAAACAGTAGACCATTTAACAGA-3'
Protein context (NP_149107.4, residues 666-686): TDDNHIFAWG[Asn676Ser]GGNGRLAMTP

ClinVar aggregate classification (germline): Uncertain significance (1 of 4 stars; one submission).

Conditions:
NEK9-related lethal skeletal dysplasia. Also called: Lethal congenital contracture syndrome 10. Identifiers: Orphanet 464366, MedGen C5568141, MONDO:0014870, OMIM 617022.
Nevus comedonicus syndrome. Also called: Nevus comedonicus. Identifiers: Orphanet 64754, MedGen C0265987, MONDO:0014873, OMIM 617025, HP:0020154.
Arthrogryposis, Perthes disease, and upward gaze palsy. Identifiers: MedGen C3280309, MONDO:0013660, OMIM 614262.

gnomAD v4.1: 9 of 1,604,904 alleles (0.00056%); highest among the groups gnomAD compares: East Asian, 0.011%; no homozygotes.

Submission:

Juno Genomics, Hangzhou Juno Genomics, Inc
Classification: Uncertain significance for Arthrogryposis, Perthes disease, and upward gaze palsy; NEK9-related lethal skeletal dysplasia; Nevus comedonicus syndrome. Review status: criteria provided, single submitter. Criteria: ACMG Guidelines, 2015. Collection method: clinical testing. Allele origin: germline.
Comment: Absent from controls (or at extremely low frequency if recessive) in Genome Aggregation Database.